The following is an entry in ClinVar:

ClinVar aggregate classification (germline): Benign. Review status: criteria provided, multiple submitters, no conflicts (2 of 4 stars). 2 submissions from 2 submitters: Benign (2). Last evaluated 2025-04-01.

Allele frequency attached by ClinVar (database versions not stated): 1000 Genomes Project 30x 0.00016; 1000 Genomes Project 0.00020; ESP Exome Variant Server 0.00023; gnomAD exomes 0.00080 and 0.00182; ExAC 0.00129; gnomAD 0.00170 and 0.00180.
gnomAD v4.1: 1,425 of 1,613,566 alleles (0.088%); highest among the groups gnomAD compares: Non-Finnish European, 0.025%; 14 homozygotes.

Submissions (2):

Labcorp Genetics (formerly Invitae), Labcorp
Classification: Benign. Last evaluated: 2025-04-01. Review status: criteria provided, single submitter. Criteria: Invitae Variant Classification Sherloc (09022015). Collection method: clinical testing. Allele origin: germline.

GeneDx
Classification: Benign. Last evaluated: 2020-05-04. Review status: criteria provided, single submitter. Criteria: GeneDx Variant Classification Process June 2021. Collection method: clinical testing. Allele origin: germline. Affected: yes.
Comment: This variant is associated with the following publications: (PMID: 28341696)

NM_016013.4(NDUFAF1):c.925C>G (p.His309Asp)

Gene: NDUFAF1 (NADH:ubiquinone oxidoreductase complex assembly factor 1; minus strand). Cytogenetic location: 15q15.1.
Variant type: single nucleotide variant.
Coding change: c.925C>G on transcript NM_016013.4 (MANE Select); coding-DNA position 925, C replaced by G.
Protein change: p.His309Asp; replaces histidine 309 with aspartic acid.
Molecular consequence: missense variant. On other transcripts: non-coding transcript variant (1).
Genome position (GRCh38, 1-based): chr15:41,387,503, G>C on the plus strand (C>G on the coding strand, the complement: NDUFAF1 is on the minus strand). VCF-style: chr15-41387503-G-C. GRCh37 (hg19) VCF-style: chr15-41679701-G-C.
Other names: short protein forms H309D.
Identifiers: ClinVar variation 1265556 (VCV001265556.11), dbSNP rs199599633, ClinGen allele CA7491192.